The following is an entry in ClinVar:

NM_178857.6(RP1L1):c.792G>A (p.Ser264=)

Gene: RP1L1 (RP1 like 1). Cytogenetic location: 8p23.1.
Variant type: single nucleotide variant.
Coding change: c.792G>A on transcript NM_178857.6 (MANE Select); coding-DNA position 792, G replaced by A.
Protein change: p.Ser264=; no amino-acid change (serine 264 retained).
Molecular consequence: synonymous variant.
Genome position (GRCh38, 1-based): chr8:10,613,306, C>T on the plus strand (G>A on the coding strand, the complement: RP1L1 is on the minus strand). VCF-style: chr8-10613306-C-T. GRCh37 (hg19) VCF-style: chr8-10470816-C-T.
Identifiers: ClinVar variation 361395 (VCV000361395.7), dbSNP rs567914782, ClinGen allele CA4625452.

ClinVar aggregate classification (germline): Benign/Likely benign. Review status: criteria provided, multiple submitters, no conflicts (2 of 4 stars). 3 submissions from 3 submitters: Benign (1); Likely benign (2). Last evaluated 2025-02-12.

Conditions:
Occult macular dystrophy (OCMD). Also called: OCCULT MACULAR DYSTROPHY, SUSCEPTIBILITY TO; OMD. Identifiers: Orphanet 247834, MedGen C3150833, MONDO:0013316, OMIM 613587, HP:0030636.
RP1L1-related disorder. Also called: RP1L1-related condition.

Allele frequency attached by ClinVar (database versions not stated): gnomAD 0.00006 and 0.00009; gnomAD exomes 0.00008 and 0.00017; TOPMed 0.00008; ExAC 0.00014; 1000 Genomes Project 30x 0.00016; 1000 Genomes Project 0.00020.
gnomAD v4.1: 126 of 1,602,374 alleles (0.0079%); highest among the groups gnomAD compares: South Asian, 0.076%; 1 homozygote.

Submissions (3):

PreventionGenetics, part of Exact Sciences
Classification: Likely benign for RP1L1-related condition. Last evaluated: 2025-02-12. Review status: criteria provided, single submitter. Criteria: ACMG Guidelines, 2015. Collection method: clinical testing. Allele origin: germline.
Comment: This variant is classified as likely benign based on ACMG/AMP sequence variant interpretation guidelines (Richards et al. 2015 PMID: 25741868, with internal and published modifications).

Blueprint Genetics
Classification: Likely benign. Last evaluated: 2024-09-23. Review status: criteria provided, single submitter. Criteria: ACMG Guidelines, 2015. Collection method: clinical testing. Allele origin: germline.

Illumina Laboratory Services, Illumina
Classification: Benign for Occult macular dystrophy. Last evaluated: 2018-01-12. Review status: criteria provided, single submitter. Criteria: ICSL Variant Classification Criteria 13 December 2019. Collection method: clinical testing. Allele origin: germline.
Comment: This variant was observed in the ICSL laboratory as part of a predisposition screen in an ostensibly healthy population. It had not been previously curated by ICSL or reported in the Human Gene Mutation Database (HGMD: prior to June 1st, 2018), and was therefore a candidate for classification through an automated scoring system. Utilizing variant allele frequency, disease prevalence and penetrance estimates, and inheritance mode, an automated score was calculated to assess if this variant is too frequent to cause the disease. Based on the score and internal cut-off values, a variant classified as benign is not then subjected to further curation. The score for this variant resulted in a classification of benign for this disease.